The following is an entry in ClinVar:

NM_000211.5(ITGB2):c.302A>G (p.Gln101Arg)

Gene: ITGB2 (integrin subunit beta 2; minus strand). Cytogenetic location: 21q22.3.
Variant type: single nucleotide variant.
Coding change: c.302A>G on transcript NM_000211.5 (MANE Select); coding-DNA position 302, A replaced by G.
Protein change: p.Gln101Arg; replaces glutamine 101 with arginine.
Molecular consequence: missense variant.
Genome position (GRCh38, 1-based): chr21:44,906,941, T>C on the plus strand (A>G on the coding strand, the complement: ITGB2 is on the minus strand). VCF-style: chr21-44906941-T-C. GRCh37 (hg19) VCF-style: chr21-46326856-T-C.
Other names: c.302A>G, p.Gln101Arg (NM_001127491.3); c.95A>G, p.Gln32Arg (NM_001303238.2); short protein forms Q101R, Q32R.
Identifiers: ClinVar variation 461475 (VCV000461475.10), dbSNP rs763707922, ClinGen allele CA10063270.

ClinVar aggregate classification (germline): Uncertain significance. Review status: criteria provided, multiple submitters, no conflicts (2 of 4 stars). 2 submissions from 2 submitters: Uncertain significance (2). Last evaluated 2024-01-10.

Conditions:
Leukocyte adhesion deficiency 1 (LAD1). Also called: LEUKOCYTE ADHESION DEFICIENCY, TYPE I; LAD 1; Lymphocyte function-associated antigen 1 immunodeficiency; LFA 1 immunodeficiency. Identifiers: Orphanet 2968, Orphanet 99842, MedGen C0398738, MONDO:0007293, OMIM 116920.

Allele frequency attached by ClinVar (database versions not stated): gnomAD exomes below 0.00001 and 0.00001; ExAC 0.00001.
gnomAD v4.1: 4 of 1,614,132 alleles (0.00025%); highest among the groups gnomAD compares: Non-Finnish European, 0.00034%; no homozygotes.

Submissions (2):

Blueprint Genetics
Classification: Uncertain significance. Last evaluated: 2024-01-10. Review status: criteria provided, single submitter. Criteria: ACMG Guidelines, 2015. Collection method: clinical testing. Allele origin: germline.

Labcorp Genetics (formerly Invitae), Labcorp
Classification: Uncertain significance for Leukocyte adhesion deficiency 1. Last evaluated: 2017-07-30. Review status: criteria provided, single submitter. Criteria: Invitae Variant Classification Sherloc (09022015). Collection method: clinical testing. Allele origin: germline.
Comment: In summary, the available evidence is currently insufficient to determine the role of this variant in disease. Therefore, it has been classified as a Variant of Uncertain Significance. Algorithms developed to predict the effect of missense changes on protein structure and function do not agree on the potential impact of this missense change (SIFT: "Deleterious"; PolyPhen-2: "Benign"; Align-GVGD: "Class C35"). This variant has not been reported in the literature in individuals with ITGB2-related disease. This variant is present in population databases (rs763707922, ExAC 0.001%). This sequence change replaces glutamine with arginine at codon 101 of the ITGB2 protein (p.Gln101Arg). The glutamine residue is highly conserved and there is a small physicochemical difference between glutamine and arginine.